The following is an entry in ClinVar:

ClinVar aggregate classification (germline): Pathogenic (1 of 4 stars; one submission).

gnomAD v4.1: 3 of 1,613,964 alleles (0.00019%); highest among the groups gnomAD compares: East Asian, 0.0045%; no homozygotes.

Submission:

Labcorp Genetics (formerly Invitae), Labcorp
Classification: Pathogenic. Last evaluated: 2025-08-07. Review status: criteria provided, single submitter. Criteria: Invitae Variant Classification Sherloc (09022015). Collection method: clinical testing. Allele origin: germline.
Comment: This sequence change creates a premature translational stop signal (p.Arg1178*) in the CENPJ gene. It is expected to result in an absent or disrupted protein product. Loss-of-function variants in CENPJ are known to be pathogenic (PMID: 15793586, 16900296, 20522431). This variant is present in population databases (rs760698184, gnomAD 0.006%). This variant has not been reported in the literature in individuals affected with CENPJ-related conditions. For these reasons, this variant has been classified as Pathogenic.

Literature cited by the submitters: PubMed 15793586; PubMed 16900296; PubMed 20522431.

NM_018451.5(CPAP):c.3532C>T (p.Arg1178Ter)

Genes: CPAP (centrosome assembly and centriole elongation protein; minus strand), RNF17 (ring finger protein 17; plus strand). Cytogenetic location: 13q12.12.
Variant type: single nucleotide variant.
Coding change: c.3532C>T on transcript NM_018451.5 (MANE Select); coding-DNA position 3532, C replaced by T.
Protein change: p.Arg1178Ter; replaces arginine 1178 with a stop codon.
Molecular consequence: nonsense. On other transcripts: non-coding transcript variant (2).
Genome position (GRCh38, 1-based): chr13:24,884,409, G>A on the plus strand (C>T on the coding strand, the complement: CPAP is on the minus strand). VCF-style: chr13-24884409-G-A. GRCh37 (hg19) VCF-style: chr13-25458547-G-A.
Other names: short protein forms R1178*.
Identifiers: ClinVar variation 4704941 (VCV004704941.1).
Genomic context (GRCh38, chr13:24,884,409, plus strand): 5'-TCACGTCACCATTAAAGAAAGTGACAGTGATGGTCTTCCCATCTGCACTCACTTCCTTTC[G>A]AGTTCCATTGGGAAACAGTATAACACGGCACCCATTCTTATAAACCTTTTCCACCTAAAA-3'